The following is an entry in ClinVar:

NM_001190787.3(MCIDAS):c.759C>T (p.Ala253=)

Gene: MCIDAS (multiciliate differentiation and DNA synthesis associated cell cycle protein; minus strand). Cytogenetic location: 5q11.2.
Variant type: single nucleotide variant.
Coding change: c.759C>T on transcript NM_001190787.3 (MANE Select); coding-DNA position 759, C replaced by T.
Protein change: p.Ala253=; no amino-acid change (alanine 253 retained).
Molecular consequence: synonymous variant.
Genome position (GRCh38, 1-based): chr5:55,220,765, G>A on the plus strand (C>T on the coding strand, the complement: MCIDAS is on the minus strand). VCF-style: chr5-55220765-G-A. GRCh37 (hg19) VCF-style: chr5-54516593-G-A.
Other names: c.759C>T (NM_001190787.1).
Identifiers: ClinVar variation 2841364 (VCV002841364.4), dbSNP rs1454106204, ClinGen allele CA444396247.

ClinVar aggregate classification (germline): Likely benign. Review status: criteria provided, multiple submitters, no conflicts (2 of 4 stars). 2 submissions from 2 submitters: Likely benign (2). Last evaluated 2024-10-08.

Conditions:
Primary ciliary dyskinesia. Also called: Ciliary dyskinesia. Identifiers: Orphanet 244, MedGen C0008780, MONDO:0016575, HP:0012265.
MCIDAS-related disorder. Also called: MCIDAS-related condition.

Allele frequency attached by ClinVar (database versions not stated): gnomAD exomes below 0.00001.
gnomAD v4.1: 4 of 1,533,892 alleles (0.00026%); highest among the groups gnomAD compares: South Asian, 0.0048%; no homozygotes.

Submissions (2):

PreventionGenetics, part of Exact Sciences
Classification: Likely benign for MCIDAS-related condition. Last evaluated: 2024-10-08. Review status: criteria provided, single submitter. Criteria: ACMG Guidelines, 2015. Collection method: clinical testing. Allele origin: germline.
Comment: This variant is classified as likely benign based on ACMG/AMP sequence variant interpretation guidelines (Richards et al. 2015 PMID: 25741868, with internal and published modifications).

Labcorp Genetics (formerly Invitae), Labcorp
Classification: Likely benign for Primary ciliary dyskinesia. Last evaluated: 2024-08-30. Review status: criteria provided, single submitter. Criteria: Invitae Variant Classification Sherloc (09022015). Collection method: clinical testing. Allele origin: germline.